The following is an entry in ClinVar:

NM_006939.4(SOS2):c.460C>A (p.His154Asn)

Gene: SOS2 (SOS Ras/Rho guanine nucleotide exchange factor 2; minus strand). Cytogenetic location: 14q21.3.
Variant type: single nucleotide variant.
Coding change: c.460C>A on transcript NM_006939.4 (MANE Select); coding-DNA position 460, C replaced by A.
Protein change: p.His154Asn; replaces histidine 154 with asparagine.
Molecular consequence: missense variant.
Genome position (GRCh38, 1-based): chr14:50,199,741, G>T on the plus strand (C>A on the coding strand, the complement: SOS2 is on the minus strand). VCF-style: chr14-50199741-G-T. GRCh37 (hg19) VCF-style: chr14-50666459-G-T.
Other names: c.460C>A, p.His154Asn (NM_001411020.1); short protein forms H154N.
Identifiers: ClinVar variation 1718512 (VCV001718512.6), dbSNP rs2503185591, ClinGen allele CA389649548.

ClinVar aggregate classification (germline): Uncertain significance (1 of 4 stars; one submission).

Conditions:
Noonan syndrome 9 (NS9). Identifiers: Orphanet 648, MedGen C4225282, MONDO:0014691, OMIM 616559.

Submission:

Labcorp Genetics (formerly Invitae), Labcorp
Classification: Uncertain significance for Noonan syndrome 9. Last evaluated: 2025-06-29. Review status: criteria provided, single submitter. Criteria: Invitae Variant Classification Sherloc (09022015). Collection method: clinical testing. Allele origin: germline.
Comment: This sequence change replaces histidine, which is basic and polar, with asparagine, which is neutral and polar, at codon 154 of the SOS2 protein (p.His154Asn). This variant is not present in population databases (gnomAD no frequency). This variant has not been reported in the literature in individuals affected with SOS2-related conditions. ClinVar contains an entry for this variant (Variation ID: 1718512). Invitae Evidence Modeling of protein sequence and biophysical properties (such as structural, functional, and spatial information, amino acid conservation, physicochemical variation, residue mobility, and thermodynamic stability) indicates that this missense variant is not expected to disrupt SOS2 protein function with a negative predictive value of 95%. In summary, the available evidence is currently insufficient to determine the role of this variant in disease. Therefore, it has been classified as a Variant of Uncertain Significance.